The following is an entry in ClinVar:

NM_016103.4(SAR1B):c.537T>A (p.Ser179Arg)

Gene: SAR1B (secretion associated Ras related GTPase 1B; minus strand). Cytogenetic location: 5q31.1.
Variant type: single nucleotide variant.
Coding change: c.537T>A on transcript NM_016103.4 (MANE Select); coding-DNA position 537, T replaced by A.
Protein change: p.Ser179Arg; replaces serine 179 with arginine.
Molecular consequence: missense variant.
Genome position (GRCh38, 1-based): chr5:134,607,010, A>T on the plus strand (T>A on the coding strand, the complement: SAR1B is on the minus strand). VCF-style: chr5-134607010-A-T. GRCh37 (hg19) VCF-style: chr5-133942700-A-T.
Other names: c.537T>A, p.Ser179Arg (NM_001033503.3); c.537T>A (NM_001033503.2); short protein forms S179R.
Identifiers: ClinVar variation 2925 (VCV000002925.6), dbSNP rs28942110, ClinGen allele CA115877.

ClinVar aggregate classification (germline): Pathogenic/Likely pathogenic. Review status: criteria provided, multiple submitters, no conflicts (2 of 4 stars). 5 submissions from 5 submitters: Pathogenic (2); Likely pathogenic (1). 2 of the submissions do not count toward it. Last evaluated 2025-09-25.

Conditions:
SAR1B-related disorder. Also called: SAR1B-related condition.
Chylomicron retention disease (CMRD). Also called: HYPOBETALIPOPROTEINEMIA WITH ACCUMULATION OF APOLIPOPROTEIN B-LIKE PROTEIN IN INTESTINAL CELLS; LIPID TRANSPORT DEFECT OF INTESTINE. Identifiers: Orphanet 71, MedGen C0795956, MONDO:0009528, OMIM 246700.

Allele frequency attached by ClinVar (database versions not stated): gnomAD 0.00001; TOPMed 0.00001; ExAC 0.00002; gnomAD exomes 0.00002 and 0.00004.

Submissions (5):

Labcorp Genetics (formerly Invitae), Labcorp
Classification: Pathogenic. Last evaluated: 2025-09-25. Review status: criteria provided, single submitter. Criteria: Invitae Variant Classification Sherloc (09022015). Collection method: clinical testing. Allele origin: germline.
Comment: This sequence change replaces serine, which is neutral and polar, with arginine, which is basic and polar, at codon 179 of the SAR1B protein (p.Ser179Arg). This variant is present in population databases (rs28942110, gnomAD 0.004%). This missense change has been observed in individual(s) with chylomicron retention disease (PMID: 12692552, 17945526). In at least one individual the data is consistent with being in trans (on the opposite chromosome) from a pathogenic variant. It has also been observed to segregate with disease in related individuals. ClinVar contains an entry for this variant (Variation ID: 2925). An algorithm developed to predict the effect of missense changes on protein structure and function (PolyPhen-2) suggests that this variant is likely to be disruptive. For these reasons, this variant has been classified as Pathogenic.

Blueprint Genetics
Classification: Pathogenic for SAR1B-related disorders. Last evaluated: 2024-10-31. Review status: criteria provided, single submitter. Criteria: ACMG Guidelines, 2015. Collection method: clinical testing. Allele origin: germline. Affected: yes. Observed: 5 variant alleles.

PreventionGenetics, part of Exact Sciences
Classification: Likely pathogenic for SAR1B-related condition. Last evaluated: 2023-07-24. Review status: criteria provided, single submitter. Criteria: ACMG Guidelines, 2015. Collection method: clinical testing. Allele origin: germline.
Comment: The SAR1B c.537T>A variant is predicted to result in the amino acid substitution p.Ser179Arg. This variant was reported as pathogenic in patients with chylomicron retention disease (Jones et al. 2003. PubMed ID: 12692552; Charcosset et al. 2007. PubMed ID: 17945526). This variant is reported in 0.0044% of alleles in individuals of European (Non-Finnish) descent in gnomAD. This variant is interpreted as likely pathogenic.

OMIM
Classification: Pathogenic for CHYLOMICRON RETENTION DISEASE. Last evaluated: 2008-01-01. Review status: no assertion criteria provided. Collection method: literature only. Allele origin: germline. Not counted in ClinVar's aggregate classification.

GeneReviews
No classification provided. Condition: Chylomicron retention disease. Review status: no classification provided. Collection method: literature only. Allele origin: germline. Not counted in ClinVar's aggregate classification.

Literature cited by the submitters: PubMed 12692552 (cited by Labcorp Genetics (formerly Invitae), Labcorp and OMIM); PubMed 17945526 (cited by 3 submitters); PubMed 19285442 (cited by GeneReviews); NCBI Bookshelf NBK578949 (cited by GeneReviews).